The following is an entry in ClinVar:

NM_002755.4(MAP2K1):c.1029A>G (p.Ile343Met)

Gene: MAP2K1 (mitogen-activated protein kinase kinase 1; plus strand). Cytogenetic location: 15q22.31.
Variant type: single nucleotide variant.
Coding change: c.1029A>G on transcript NM_002755.4 (MANE Select); coding-DNA position 1029, A replaced by G.
Protein change: p.Ile343Met; replaces isoleucine 343 with methionine.
Molecular consequence: missense variant.
Genome position (GRCh38, 1-based): chr15:66,489,724, A>G. VCF-style: chr15-66489724-A-G. GRCh37 (hg19) VCF-style: chr15-66782062-A-G.
Other names: c.885A>G, p.Ile295Met (NM_001411065.1); short protein forms I343M, I295M.
Identifiers: ClinVar variation 4737165 (VCV004737165.1).
Genomic context (GRCh38, chr15:66,489,724, plus strand): 5'-TGAGCTAGAACCAGTGCCAGGCAACAGCTCTTACCTTGTCTTTCTTCCTTTAAGCTTAAT[A>G]AAAAACCCCGCAGAGAGAGCAGATTTGAAGCAACTCATGGTGAGTCTATTTATTCCGGAT-3'
Protein context (NP_002746.1, residues 333-353): EFQDFVNKCL[Ile343Met]KNPAERADLK

ClinVar aggregate classification (germline): Uncertain significance (1 of 4 stars; one submission).

Conditions:
RASopathy. Also called: rasopathies; Noonan spectrum disorder. Identifiers: Orphanet 536391, MedGen C5555857, MONDO:0021060.

Submission:

Labcorp Genetics (formerly Invitae), Labcorp
Classification: Uncertain significance for RASopathy. Last evaluated: 2025-10-13. Review status: criteria provided, single submitter. Criteria: Invitae Variant Classification Sherloc (09022015). Collection method: clinical testing. Allele origin: germline.
Comment: This sequence change replaces isoleucine, which is neutral and non-polar, with methionine, which is neutral and non-polar, at codon 343 of the MAP2K1 protein (p.Ile343Met). This variant is not present in population databases (gnomAD no frequency). This variant has not been reported in the literature in individuals affected with MAP2K1-related conditions. Invitae Evidence Modeling of protein sequence and biophysical properties (such as structural, functional, and spatial information, amino acid conservation, physicochemical variation, residue mobility, and thermodynamic stability) has been performed for this missense variant. However, the output from this modeling did not meet the statistical confidence thresholds required to predict the impact of this variant on MAP2K1 protein function. In summary, the available evidence is currently insufficient to determine the role of this variant in disease. Therefore, it has been classified as a Variant of Uncertain Significance.